The following is an entry in ClinVar:

NM_001972.4(ELANE):c.281C>A (p.Pro94His)

Gene: ELANE (elastase, neutrophil expressed; plus strand). Cytogenetic location: 19p13.3.
Variant type: single nucleotide variant.
Coding change: c.281C>A on transcript NM_001972.4 (MANE Select); coding-DNA position 281, C replaced by A.
Protein change: p.Pro94His; replaces proline 94 with histidine.
Molecular consequence: missense variant.
Genome position (GRCh38, 1-based): chr19:853,318, C>A. VCF-style: chr19-853318-C-A. GRCh37 (hg19) VCF-style: chr19-853318-C-A.
Other names: short protein forms P94H.
Identifiers: ClinVar variation 4842455 (VCV004842455.1).

ClinVar aggregate classification (germline): Uncertain significance (1 of 4 stars; one submission).

Conditions:
Inborn genetic diseases. Identifiers: MedGen C0950123, MeSH D030342.

Submission:

Ambry Genetics
Classification: Uncertain significance for Inborn genetic diseases. Last evaluated: 2026-01-04. Review status: criteria provided, single submitter. Criteria: Ambry Variant Classification Scheme 2023. Collection method: clinical testing. Allele origin: germline.
Comment: The p.P94H variant (also known as c.281C>A), located in coding exon 3 of the ELANE gene, results from a C to A substitution at nucleotide position 281. The proline at codon 94 is replaced by histidine, an amino acid with similar properties. This amino acid position is conserved. In addition, this alteration is predicted to be tolerated by in silico analysis. Based on the available evidence, the clinical significance of this variant remains unclear.